The following is an entry in ClinVar:

NM_152703.5(SAMD9L):c.3722A>G (p.Asp1241Gly)

Gene: SAMD9L (sterile alpha motif domain containing 9 like; minus strand). Cytogenetic location: 7q21.2.
Variant type: single nucleotide variant.
Coding change: c.3722A>G on transcript NM_152703.5 (MANE Select); coding-DNA position 3722, A replaced by G.
Protein change: p.Asp1241Gly; replaces aspartic acid 1241 with glycine.
Molecular consequence: missense variant.
Genome position (GRCh38, 1-based): chr7:93,132,250, T>C on the plus strand (A>G on the coding strand, the complement: SAMD9L is on the minus strand). VCF-style: chr7-93132250-T-C. GRCh37 (hg19) VCF-style: chr7-92761563-T-C.
Other names: c.3722A>G, p.Asp1241Gly (NM_001303496.3, NM_001303497.3, NM_001303498.3 and 5 more transcripts); short protein forms D1241G.
Identifiers: ClinVar variation 3949961 (VCV003949961.1).

ClinVar aggregate classification (germline): Uncertain significance (1 of 4 stars; one submission).

Conditions:
Inborn genetic diseases. Identifiers: MedGen C0950123, MeSH D030342.

Submission:

Ambry Genetics
Classification: Uncertain significance for Inborn genetic diseases. Last evaluated: 2025-05-26. Review status: criteria provided, single submitter. Criteria: Ambry Variant Classification Scheme 2023. Collection method: clinical testing. Allele origin: germline.
Comment: The p.D1241G variant (also known as c.3722A>G), located in coding exon 1 of the SAMD9L gene, results from an A to G substitution at nucleotide position 3722. The aspartic acid at codon 1241 is replaced by glycine, an amino acid with similar properties. This amino acid position is conserved. In addition, this alteration is predicted to be tolerated by in silico analysis. Based on the available evidence, the clinical significance of this variant remains unclear.